The following is an entry in ClinVar:

NM_003628.6(PKP4):c.1004C>T (p.Ser335Leu)

Gene: PKP4 (plakophilin 4; plus strand). Cytogenetic location: 2q24.1.
Variant type: single nucleotide variant.
Coding change: c.1004C>T on transcript NM_003628.6 (MANE Select); coding-DNA position 1004, C replaced by T.
Protein change: p.Ser335Leu; replaces serine 335 with leucine.
Molecular consequence: missense variant. On other transcripts: 5 prime UTR variant (1).
Genome position (GRCh38, 1-based): chr2:158,625,278, C>T. VCF-style: chr2-158625278-C-T. GRCh37 (hg19) VCF-style: chr2-159481790-C-T.
Other names: c.1004C>T, p.Ser335Leu (NM_001005476.4, NM_001304969.3, NM_001304971.2 and 6 more transcripts); c.-23C>T (NM_001304970.3); c.998C>T, p.Ser333Leu (NM_001377222.1, NM_001377223.1, NM_001377224.1); short protein forms S333L, S335L.
Identifiers: ClinVar variation 2536766 (VCV002536766.3), dbSNP rs1187326464, ClinGen allele CA348906705.
Genomic context (GRCh38, chr2:158,625,278, plus strand): 5'-CACTGACCCTGACGGATGCACAGACTCGAGTAGCTTCCCCATCCCAAGGCCAGGTGGGGT[C>T]GTCGTCCCCCAAACGCTCAGGGATGACCGCCGTACCACAGCATCTGGGACCTTCACTGCA-3'
Protein context (NP_003619.2, residues 325-345): VASPSQGQVG[Ser335Leu]SSPKRSGMTA

ClinVar aggregate classification (germline): Uncertain significance (1 of 4 stars; one submission).

Allele frequency attached by ClinVar (database versions not stated): gnomAD exomes 0.00001.
gnomAD v4.1: 21 of 1,614,182 alleles (0.0013%); highest among the groups gnomAD compares: African/African-American, 0.0027%; no homozygotes.

Submission:

Ambry Genetics
Classification: Uncertain significance. Last evaluated: 2025-05-03. Review status: criteria provided, single submitter. Criteria: Ambry Variant Classification Scheme 2023. Collection method: clinical testing. Allele origin: germline.
Comment: The p.S335L variant (also known as c.1004C>T), located in coding exon 6 of the PKP4 gene, results from a C to T substitution at nucleotide position 1004. The serine at codon 335 is replaced by leucine, an amino acid with dissimilar properties. This amino acid position is conserved. In addition, the in silico prediction for this alteration is inconclusive. Based on the available evidence, the clinical significance of this variant remains unclear.